The following is an entry in ClinVar:

NM_182961.4(SYNE1):c.10750C>T (p.His3584Tyr)

Gene: SYNE1 (spectrin repeat containing nuclear envelope protein 1; minus strand). Cytogenetic location: 6q25.2.
Variant type: single nucleotide variant.
Coding change: c.10750C>T on transcript NM_182961.4 (MANE Select); coding-DNA position 10750, C replaced by T.
Protein change: p.His3584Tyr; replaces histidine 3584 with tyrosine.
Molecular consequence: missense variant.
Genome position (GRCh38, 1-based): chr6:152,354,835, G>A on the plus strand (C>T on the coding strand, the complement: SYNE1 is on the minus strand). VCF-style: chr6-152354835-G-A. GRCh37 (hg19) VCF-style: chr6-152675970-G-A.
Other names: c.10771C>T, p.His3591Tyr (NM_033071.5); c.10771C>T (NM_033071.3); short protein forms H3584Y, H3591Y.
Identifiers: ClinVar variation 448539 (VCV000448539.10), dbSNP rs752209637, ClinGen allele CA4056887.

ClinVar aggregate classification (germline): Uncertain significance. Review status: criteria provided, multiple submitters, no conflicts (2 of 4 stars). 3 submissions from 3 submitters: Uncertain significance (3). Last evaluated 2024-05-16.

Conditions:
Emery-Dreifuss muscular dystrophy 4, autosomal dominant (EDMD4). Also called: EMERY-DREIFUSS MUSCULAR DYSTROPHY 4 WITH VARIABLE FEATURES. Identifiers: Orphanet 261, MedGen C2751807, MONDO:0013071, OMIM 612998.
Autosomal recessive ataxia, Beauce type. Also called: Spinocerebellar ataxia, autosomal recessive 8; ATAXIA, RECESSIVE, OF BEAUCE; SYNE1-Related Autosomal Recessive Cerebellar Ataxia; SYNE1 Deficiency. Identifiers: Orphanet 88644, MedGen C1853116, MONDO:0012549, OMIM 610743.

Allele frequency attached by ClinVar (database versions not stated): gnomAD 0.00001; TOPMed 0.00001; ExAC 0.00002; gnomAD exomes 0.00003.
gnomAD v4.1: 48 of 1,614,050 alleles (0.003%); highest among the groups gnomAD compares: Non-Finnish European, 0.004%; no homozygotes.

Submissions (3):

Revvity Omics, Revvity
Classification: Uncertain significance. Last evaluated: 2024-05-16. Review status: criteria provided, single submitter. Criteria: ACMG Guidelines, 2015. Collection method: clinical testing. Allele origin: germline.

Labcorp Genetics (formerly Invitae), Labcorp
Classification: Uncertain significance for Emery-Dreifuss muscular dystrophy 4, autosomal dominant; Autosomal recessive ataxia, Beauce type. Last evaluated: 2022-08-16. Review status: criteria provided, single submitter. Criteria: Invitae Variant Classification Sherloc (09022015). Collection method: clinical testing. Allele origin: germline.
Comment: In summary, the available evidence is currently insufficient to determine the role of this variant in disease. Therefore, it has been classified as a Variant of Uncertain Significance. Algorithms developed to predict the effect of missense changes on protein structure and function are either unavailable or do not agree on the potential impact of this missense change (SIFT: "Deleterious"; PolyPhen-2: "Benign"; Align-GVGD: "Class C35"). ClinVar contains an entry for this variant (Variation ID: 448539). This variant has not been reported in the literature in individuals affected with SYNE1-related conditions. This variant is present in population databases (rs752209637, gnomAD 0.006%). This sequence change replaces histidine, which is basic and polar, with tyrosine, which is neutral and polar, at codon 3591 of the SYNE1 protein (p.His3591Tyr).

Athena Diagnostics
Classification: Uncertain significance. Last evaluated: 2021-04-16. Review status: criteria provided, single submitter. Criteria: Athena Diagnostics criteria. Collection method: clinical testing. Allele origin: unknown.